The following is an entry in ClinVar:

NM_001206927.2(DNAH8):c.11286_11293del (p.Asp3763fs)

Genes: DNAH8 (dynein axonemal heavy chain 8; plus strand), DNAH8-AS1 (DNAH8 antisense RNA 1; minus strand). Cytogenetic location: 6p21.2.
Variant type: Deletion.
Coding change: c.11286_11293del on transcript NM_001206927.2 (MANE Select); coding-DNA positions 11286 to 11293, 8 bases deleted (TGATAAGG; older notation c.11286_11293delTGATAAGG).
Protein change: p.Asp3763fs; shifts the reading frame from aspartic acid 3763.
Molecular consequence: frameshift variant.
Genome position (GRCh38, 1-based): chr6:38,931,822-38,931,829, TGATAAGG deleted; deleting any 8 consecutive bases within chr6:38,931,820-38,931,829 gives the same sequence; the c. name uses the placement nearest the transcript's 3' end. VCF-style (leftmost placement, unchanged base first): chr6-38931819-CGGTGATAA-C. GRCh37 (hg19) VCF-style: chr6-38899595-CGGTGATAA-C.
Other names: c.10635_10642del, p.Asp3546fs (NM_001371.4); short protein forms D3763fs, D3546fs.
Identifiers: ClinVar variation 2031122 (VCV002031122.4), dbSNP rs2533556336, ClinGen allele CA2580074476.

ClinVar aggregate classification (germline): Pathogenic (1 of 4 stars; one submission).

Conditions:
Primary ciliary dyskinesia. Also called: Ciliary dyskinesia. Identifiers: Orphanet 244, MedGen C0008780, MONDO:0016575, HP:0012265.

Submission:

Labcorp Genetics (formerly Invitae), Labcorp
Classification: Pathogenic for Primary ciliary dyskinesia. Last evaluated: 2022-09-18. Review status: criteria provided, single submitter. Criteria: Invitae Variant Classification Sherloc (09022015). Collection method: clinical testing. Allele origin: germline.
Comment: For these reasons, this variant has been classified as Pathogenic. This variant has not been reported in the literature in individuals affected with DNAH8-related conditions. This variant is not present in population databases (gnomAD no frequency). This sequence change creates a premature translational stop signal (p.Asp3763Metfs*2) in the DNAH8 gene. It is expected to result in an absent or disrupted protein product. Loss-of-function variants in DNAH8 are known to be pathogenic (PMID: 24307375, 32619401, 32681648).

Literature cited by the submitters: PubMed 24307375; PubMed 32619401; PubMed 32681648.